The following is an entry in ClinVar:

NM_000373.4(UMPS):c.*4252G>T

Gene: UMPS (uridine monophosphate synthetase; plus strand). Cytogenetic location: 3q21.2.
Variant type: single nucleotide variant.
Coding change: c.*4252G>T on transcript NM_000373.4 (MANE Select); 4252 bases downstream of the stop codon, G replaced by T.
Molecular consequence: 3 prime UTR variant. On other transcripts: non-coding transcript variant (2).
Genome position (GRCh38, 1-based): chr3:124,748,336, G>T. VCF-style: chr3-124748336-G-T. GRCh37 (hg19) VCF-style: chr3-124467183-G-T.
Identifiers: ClinVar variation 343025 (VCV000343025.5), dbSNP rs117707217, ClinGen allele CA2582154.

ClinVar aggregate classification (germline): Benign (1 of 4 stars; one submission).

Conditions:
Oroticaciduria. Also called: Orotic aciduria. Identifiers: Orphanet 30, MedGen C0268128, HP:0003218.

Allele frequency attached by ClinVar (database versions not stated): gnomAD exomes 0.02132 and 0.02612; 1000 Genomes Project 30x 0.02764; 1000 Genomes Project 0.02776; ExAC 0.03169; gnomAD 0.01141 and 0.01364; TOPMed 0.01397.
gnomAD v4.1: 8,418 of 453,864 alleles (1.9%); highest among the groups gnomAD compares: East Asian, 6.1%; 172 homozygotes.

Submission:

Illumina Laboratory Services, Illumina
Classification: Benign for Hereditary orotic aciduria. Last evaluated: 2018-01-13. Review status: criteria provided, single submitter. Criteria: ICSL Variant Classification Criteria 13 December 2019. Collection method: clinical testing. Allele origin: germline.
Comment: This variant was observed in the ICSL laboratory as part of a predisposition screen in an ostensibly healthy population. It had not been previously curated by ICSL or reported in the Human Gene Mutation Database (HGMD: prior to June 1st, 2018), and was therefore a candidate for classification through an automated scoring system. Utilizing variant allele frequency, disease prevalence and penetrance estimates, and inheritance mode, an automated score was calculated to assess if this variant is too frequent to cause the disease. Based on the score and internal cut-off values, a variant classified as benign is not then subjected to further curation. The score for this variant resulted in a classification of benign for this disease.